The following is an entry in ClinVar:

ClinVar aggregate classification (germline): Conflicting classifications of pathogenicity. Review status: criteria provided, conflicting classifications (1 of 4 stars). 3 submissions from 3 submitters: Uncertain significance (2); Benign (1). Last evaluated 2023-06-08.

Conditions:
Ovarian cancer. Also called: OVARIAN CANCER, SOMATIC. Identifiers: Orphanet 213500, MedGen C1140680, MONDO:0008170, OMIM 167000.
Tuberous sclerosis syndrome (TSC). Also called: Tuberous Sclerosis Complex; Tuberous sclerosis. Identifiers: Orphanet 805, MedGen C0041341, MONDO:0001734.

Allele frequency attached by ClinVar (database versions not stated): TOPMed 0.00001.

Submissions (3):

All of Us Research Program, National Institutes of Health
Classification: Uncertain significance for Tuberous sclerosis syndrome. Last evaluated: 2023-06-08. Review status: criteria provided, single submitter. Criteria: ACMG Guidelines, 2015. Collection method: clinical testing. Allele origin: germline. Inheritance: Autosomal dominant inheritance. Observed: 1 variant allele, 1 heterozygote.
Comment: This missense variant replaces leucine with isoleucine at codon 993 of the TSC1 protein. Computational prediction suggests that this variant may not impact protein structure and function (internally defined REVEL score threshold <= 0.5, PMID: 27666373). To our knowledge, functional studies have not been reported for this variant. This variant has not been reported in individuals affected with TSC1-related disorders in the literature. This variant has not been identified in the general population by the Genome Aggregation Database (gnomAD). The available evidence is insufficient to determine the role of this variant in disease conclusively. Therefore, this variant is classified as a Variant of Uncertain Significance.

This study involves interpretation of variants in research participants for the purpose of population health screening. Participant phenotype was not available at the time of variant classification. Additional details can be found in publication PMID: 35346344, PMCID: PMC8962531

Color Diagnostics, LLC DBA Color Health
Classification: Uncertain significance for Tuberous sclerosis syndrome. Last evaluated: 2023-04-16. Review status: criteria provided, single submitter. Criteria: ACMG Guidelines, 2015. Collection method: clinical testing. Allele origin: germline.
Comment: This missense variant replaces leucine with isoleucine at codon 993 of the TSC1 protein. Computational prediction suggests that this variant may not impact protein structure and function (internally defined REVEL score threshold <= 0.5, PMID: 27666373). To our knowledge, functional studies have not been reported for this variant. This variant has not been reported in individuals affected with TSC1-related disorders in the literature. This variant has not been identified in the general population by the Genome Aggregation Database (gnomAD). The available evidence is insufficient to determine the role of this variant in disease conclusively. Therefore, this variant is classified as a Variant of Uncertain Significance.

Laboratory of Molecular Epidemiology of Birth Defects, West China Second University Hospital, Sichuan University
Classification: Benign for Ovarian cancer. Last evaluated: 2022-01-01. Review status: criteria provided, single submitter. Criteria: ACMG Guidelines, 2015. Collection method: clinical testing. Allele origin: germline. Affected: yes.

NM_000368.5(TSC1):c.2977C>A (p.Leu993Ile)

Gene: TSC1 (TSC complex subunit 1; minus strand). Cytogenetic location: 9q34.13.
Variant type: single nucleotide variant.
Coding change: c.2977C>A on transcript NM_000368.5 (MANE Select); coding-DNA position 2977, C replaced by A.
Protein change: p.Leu993Ile; replaces leucine 993 with isoleucine.
Molecular consequence: missense variant.
Genome position (GRCh38, 1-based): chr9:132,896,753, G>T on the plus strand (C>A on the coding strand, the complement: TSC1 is on the minus strand). VCF-style: chr9-132896753-G-T. GRCh37 (hg19) VCF-style: chr9-135772140-G-T.
Other names: c.2974C>A, p.Leu992Ile (NM_001162426.2, NM_001406597.1, NM_001406598.1 and 2 more transcripts); c.2824C>A, p.Leu942Ile (NM_001162427.2, NM_001406610.1); c.2614C>A, p.Leu872Ile (NM_001362177.2, NM_001406615.1, NM_001406616.1 and 4 more transcripts); c.2977C>A, p.Leu993Ile (NM_001406592.1, NM_001406593.1, NM_001406594.1 and 2 more transcripts); c.2962C>A, p.Leu988Ile (NM_001406601.1, NM_001406602.1); c.2959C>A, p.Leu987Ile (NM_001406603.1, NM_001406604.1); c.2611C>A, p.Leu871Ile (NM_001406620.1, NM_001406621.1, NM_001406622.1 and 1 more transcripts); c.2572C>A, p.Leu858Ile (NM_001406624.1); and 8 more; short protein forms L642I, L675I, L676I, L857I, L858I, L871I, L872I, L927I.
Identifiers: ClinVar variation 2445273 (VCV002445273.5), dbSNP rs1177810382, ClinGen allele CA375368095.